The following is an entry in ClinVar:

ClinVar aggregate classification (germline): Uncertain significance (1 of 4 stars; one submission).

Submission:

GeneDx
Classification: Uncertain significance. Last evaluated: 2025-08-07. Review status: criteria provided, single submitter. Criteria: GeneDx Variant Classification Process June 2021. Collection method: clinical testing. Allele origin: germline. Affected: yes.
Comment: Not observed at significant frequency in large population cohorts (gnomAD); In silico analysis supports that this missense variant has a deleterious effect on protein structure/function; Has not been previously published as pathogenic or benign to our knowledge

NM_001005273.3(CHD3):c.3431A>C (p.Asn1144Thr)

Gene: CHD3 (chromodomain helicase DNA binding protein 3; plus strand). Cytogenetic location: 17p13.1.
Variant type: single nucleotide variant.
Coding change: c.3431A>C on transcript NM_001005273.3 (MANE Select); coding-DNA position 3431, A replaced by C.
Protein change: p.Asn1144Thr; replaces asparagine 1144 with threonine.
Molecular consequence: missense variant.
Genome position (GRCh38, 1-based): chr17:7,902,997, A>C. VCF-style: chr17-7902997-A-C. GRCh37 (hg19) VCF-style: chr17-7806315-A-C.
Other names: c.3608A>C, p.Asn1203Thr (NM_001005271.3, NM_001437504.1); c.3596A>C, p.Asn1199Thr (NM_001437507.1, NM_001437508.1, NM_001437509.1); c.3431A>C, p.Asn1144Thr (NM_005852.4); short protein forms N1144T, N1199T, N1203T.
Identifiers: ClinVar variation 4755677 (VCV004755677.1).